The following is an entry in ClinVar:

NM_005026.5(PIK3CD):c.1331C>T (p.Ser444Phe)

Genes: PIK3CD (phosphatidylinositol-4,5-bisphosphate 3-kinase catalytic subunit delta; plus strand), LOC126805612 (MED14-independent group 3 enhancer GRCh37_chr1:9778914-9780113; plus strand). Cytogenetic location: 1p36.22.
Variant type: single nucleotide variant.
Coding change: c.1331C>T on transcript NM_005026.5 (MANE Select); coding-DNA position 1331, C replaced by T.
Protein change: p.Ser444Phe; replaces serine 444 with phenylalanine.
Molecular consequence: missense variant.
Genome position (GRCh38, 1-based): chr1:9,720,009, C>T. VCF-style: chr1-9720009-C-T. GRCh37 (hg19) VCF-style: chr1-9780067-C-T.
Other names: c.1331C>T, p.Ser444Phe (NM_001350234.2); c.1244C>T, p.Ser415Phe (NM_001350235.1); short protein forms S444F, S415F.
Identifiers: ClinVar variation 947437 (VCV000947437.10), dbSNP rs759238357, ClinGen allele CA577149.

ClinVar aggregate classification (germline): Uncertain significance (1 of 4 stars; one submission).

Conditions:
Immunodeficiency 14 (IMD14A). Also called: p110-DELTA-ACTIVATING MUTATION CAUSING SENESCENT T CELLS, LYMPHADENOPATHY, AND IMMUNODEFICIENCY; Activated PI3K Delta Syndrome Type 1 (APDS1); IMMUNODEFICIENCY 14A WITH LYMPHOPROLIFERATION, AUTOSOMAL DOMINANT; ACTIVATED PI3K-DELTA SYNDROME 1. Identifiers: Orphanet 397596, Orphanet 693661, MedGen C5907821, MONDO:0014222, OMIM 615513.

Allele frequency attached by ClinVar (database versions not stated): ExAC 0.00001; gnomAD exomes below 0.00001.
gnomAD v4.1: 2 of 1,613,598 alleles (0.00012%); highest among the groups gnomAD compares: Non-Finnish European, 0.00017%; no homozygotes.

Submission:

Labcorp Genetics (formerly Invitae), Labcorp
Classification: Uncertain significance for Activated PI3K-delta syndrome. Last evaluated: 2020-04-23. Review status: criteria provided, single submitter. Criteria: Invitae Variant Classification Sherloc (09022015). Collection method: clinical testing. Allele origin: germline.
Comment: This sequence change replaces serine with phenylalanine at codon 444 of the PIK3CD protein (p.Ser444Phe). The serine residue is highly conserved and there is a large physicochemical difference between serine and phenylalanine. The frequency data for this variant in the population databases is considered unreliable, as metrics indicate poor data quality at this position in the ExAC database. This variant has not been reported in the literature in individuals with PIK3CD-related conditions. Algorithms developed to predict the effect of missense changes on protein structure and function output the following: SIFT: "Tolerated"; PolyPhen-2: "Benign"; Align-GVGD: "Class C0". The phenylalanine amino acid residue is found in multiple mammalian species, suggesting that this missense change does not adversely affect protein function. These predictions have not been confirmed by published functional studies and their clinical significance is uncertain. In summary, the available evidence is currently insufficient to determine the role of this variant in disease. Therefore, it has been classified as a Variant of Uncertain Significance.